The following is an entry in ClinVar:

NM_005618.4(DLL1):c.2074C>T (p.Pro692Ser)

Genes: DLL1 (delta like canonical Notch ligand 1; minus strand), LOC126859913 (P300/CBP strongly-dependent group 1 enhancer GRCh37_chr6:170591232-170592431; plus strand). Cytogenetic location: 6q27.
Variant type: single nucleotide variant.
Coding change: c.2074C>T on transcript NM_005618.4 (MANE Select); coding-DNA position 2074, C replaced by T.
Protein change: p.Pro692Ser; replaces proline 692 with serine.
Molecular consequence: missense variant.
Genome position (GRCh38, 1-based): chr6:170,283,080, G>A on the plus strand (C>T on the coding strand, the complement: DLL1 is on the minus strand). VCF-style: chr6-170283080-G-A. GRCh37 (hg19) VCF-style: chr6-170592168-G-A.
Other names: short protein forms P692S.
Identifiers: ClinVar variation 3715050 (VCV003715050.2).

ClinVar aggregate classification (germline): Uncertain significance (1 of 4 stars; one submission).

gnomAD v4.1: 2 of 1,614,128 alleles (0.00012%); highest among the groups gnomAD compares: Non-Finnish European, 0.00017%; no homozygotes.

Submission:

Labcorp Genetics (formerly Invitae), Labcorp
Classification: Uncertain significance. Last evaluated: 2024-12-05. Review status: criteria provided, single submitter. Criteria: Invitae Variant Classification Sherloc (09022015). Collection method: clinical testing. Allele origin: germline.
Comment: This sequence change replaces proline, which is neutral and non-polar, with serine, which is neutral and polar, at codon 692 of the DLL1 protein (p.Pro692Ser). This variant is not present in population databases (gnomAD no frequency). This variant has not been reported in the literature in individuals affected with DLL1-related conditions. An algorithm developed to predict the effect of missense changes on protein structure and function (PolyPhen-2) suggests that this variant is likely to be tolerated. In summary, the available evidence is currently insufficient to determine the role of this variant in disease. Therefore, it has been classified as a Variant of Uncertain Significance.